The following is an entry in ClinVar:

ClinVar aggregate classification (germline): Pathogenic/Likely pathogenic. Review status: criteria provided, multiple submitters, no conflicts (2 of 4 stars). 7 submissions from 7 submitters: Pathogenic (4); Likely pathogenic (3). Last evaluated 2025-12-22.

Conditions:
ALPK3-related disorder. Also called: ALPK3-related condition.
Cardiomyopathy, familial hypertrophic 27. Identifiers: MedGen C4748014, MONDO:0054838, OMIM 618052.
Cardiovascular phenotype. Identifiers: MedGen CN230736.
Cardiomyopathy (CMYO). Also called: Cardiomyopathies. Identifiers: Orphanet 167848, MedGen C0878544, MONDO:0004994, HP:0001638. Inheritance: Various modes of inheritance.

Allele frequency attached by ClinVar (database versions not stated): gnomAD exomes 0.00001.
gnomAD v4.1: 8 of 1,614,108 alleles (0.0005%); highest among the groups gnomAD compares: Admixed American, 0.0017%; no homozygotes.

Submissions (7):

Labcorp Genetics (formerly Invitae), Labcorp
Classification: Pathogenic. Last evaluated: 2025-12-22. Review status: criteria provided, single submitter. Criteria: Invitae Variant Classification Sherloc (09022015). Collection method: clinical testing. Allele origin: germline.
Comment: This sequence change creates a premature translational stop signal (p.Arg1607*) in the ALPK3 gene. It is expected to result in an absent or disrupted protein product. Loss-of-function variants in ALPK3 are known to be pathogenic (PMID: 21441111, 26846950, 27106955, 34263907). This variant is present in population databases (no rsID available, gnomAD 0.006%). This variant has not been reported in the literature in individuals affected with ALPK3-related conditions. ClinVar contains an entry for this variant (Variation ID: 1186088). Algorithms developed to predict the effect of sequence changes on RNA splicing suggest that this variant may disrupt the consensus splice site. For these reasons, this variant has been classified as Pathogenic.

Dasa
Classification: Likely pathogenic. Last evaluated: 2025-06-09. Review status: criteria provided, single submitter. Criteria: DASA Assertion Criteria. Collection method: clinical testing. Allele origin: germline.
Comment: NM_020778.5(ALPK3):c.4213C>T (p.Arg1405*) is a nonsense variant in ALPK3 predicted to introduce a premature termination codon and is predicted to result in an absent or altered protein product. Loss of function is an established disease mechanism for ALPK3-associated disorders. Also, this variant is rare in population databases. Based on the currently available evidence, this variant is classified as likely pathogenic.

GeneDx
Classification: Likely pathogenic. Last evaluated: 2025-03-26. Review status: criteria provided, single submitter. Criteria: GeneDx Variant Classification Process June 2021. Collection method: clinical testing. Allele origin: germline. Affected: yes.
Comment: Nonsense variant predicted to result in protein truncation or nonsense mediated decay in a gene for which loss of function is a known mechanism of disease; Not observed at significant frequency in large population cohorts (gnomAD); Has not been previously published as pathogenic or benign to our knowledge

Ambry Genetics
Classification: Pathogenic for Cardiovascular phenotype. Last evaluated: 2024-08-23. Review status: criteria provided, single submitter. Criteria: Ambry Variant Classification Scheme 2023. Collection method: clinical testing. Allele origin: germline.
Comment: The p.R1607* pathogenic mutation (also known as c.4819C>T), located in coding exon 10 of the ALPK3 gene, results from a C to T substitution at nucleotide position 4819. This changes the amino acid from an arginine to a stop codon within coding exon 10. This alteration is expected to result in loss of function by premature protein truncation or nonsense-mediated mRNA decay. As such, this alteration is interpreted as a disease-causing mutation.

Women's Health and Genetics/Laboratory Corporation of America, LabCorp
Classification: Pathogenic for Cardiomyopathy. Last evaluated: 2023-08-14. Review status: criteria provided, single submitter. Criteria: LabCorp Variant Classification Summary - May 2015. Collection method: clinical testing. Allele origin: germline.
Comment: Variant summary: ALPK3 c.4213C>T (p.Arg1405X) results in a premature termination codon, predicted to cause a truncation of the encoded protein or absence of the protein due to nonsense mediated decay, which are commonly known mechanisms for disease. The variant allele was found at a frequency of 1.2e-05 in 251426 control chromosomes. To our knowledge, no occurrence of c.4213C>T in individuals affected with Cardiomyopathy and no experimental evidence demonstrating its impact on protein function have been reported. Two submitters have cited clinical-significance assessments for this variant to ClinVar after 2014. All submitters classified the variant as pathogenic/likely pathogenic. Based on the evidence outlined above, the variant was classified as pathogenic.

Victorian Clinical Genetics Services, Murdoch Childrens Research Institute
Classification: Pathogenic for Cardiomyopathy, familial hypertrophic 27. Last evaluated: 2023-07-17. Review status: criteria provided, single submitter. Criteria: ACMG Guidelines, 2015. Collection method: clinical testing. Allele origin: germline. Affected: yes.
Comment: Based on the classification scheme VCGS_Germline_v1.3.4, this variant is classified as Pathogenic. Following criteria are met: 0102 - Loss of function is a known mechanism of disease in this gene and is associated with familial hypertrophic cardiomyopathy 27 (MIM#618052). (I) 0106 - This gene is associated with autosomal recessive disease. However, emerging evidence supports autosomal dominant inheritance in adults with age-dependent penetrance (PMIDs: 32480058, 34263907). (I) 0201 - Variant is predicted to cause nonsense-mediated decay (NMD) and loss of protein (premature termination codon is located at least 54 nucleotides upstream of the final exon-exon junction). (SP) 0251 - This variant is heterozygous. (I) 0304 - Variant is present in gnomAD (v2) <0.01 (3 heterozygotes, 0 homozygotes). (SP) 0701 - Other NMD-predicted variants comparable to the one identified in this case have very strong previous evidence for pathogenicity. These variants have been reported many times as pathogenic (DECIPHER, PMID: 34263907). (SP) 0803 - This variant has limited previous evidence of pathogenicity in unrelated individuals. This variant has been reported as likely pathogenic and as pathogenic (ClinVar). (SP) 0905 - No published segregation evidence has been identified for this variant. (I) 1007 - No published functional evidence has been identified for this variant. (I) 1208 - Inheritance information for this variant is not currently available in this individual. (I) Legend: (SP) - Supporting pathogenic, (I) - Information, (SB) - Supporting benign

Blueprint Genetics
Classification: Likely pathogenic for ALPK3-related disorders. Last evaluated: 2021-05-19. Review status: criteria provided, single submitter. Criteria: ACMG Guidelines, 2015. Collection method: clinical testing. Allele origin: germline. Affected: yes. Observed: 2 variant alleles.

Literature cited by the submitters: PubMed 21441111 (cited by Labcorp Genetics (formerly Invitae), Labcorp); PubMed 26846950 (cited by Labcorp Genetics (formerly Invitae), Labcorp); PubMed 27106955 (cited by Labcorp Genetics (formerly Invitae), Labcorp); PubMed 34263907 (cited by Labcorp Genetics (formerly Invitae), Labcorp and Victorian Clinical Genetics Services, Murdoch Childrens Research Institute); PubMed 37477868 (cited by Ambry Genetics); PubMed 32480058 (cited by Victorian Clinical Genetics Services, Murdoch Childrens Research Institute).

NM_020778.5(ALPK3):c.4213C>T (p.Arg1405Ter)

Gene: ALPK3 (alpha kinase 3; plus strand). Cytogenetic location: 15q25.3.
Variant type: single nucleotide variant.
Coding change: c.4213C>T on transcript NM_020778.5 (MANE Select); coding-DNA position 4213, C replaced by T.
Protein change: p.Arg1405Ter; replaces arginine 1405 with a stop codon.
Molecular consequence: nonsense.
Genome position (GRCh38, 1-based): chr15:84,862,718, C>T. VCF-style: chr15-84862718-C-T. GRCh37 (hg19) VCF-style: chr15-85405949-C-T.
Other names: short protein forms R1405*.
Identifiers: ClinVar variation 1186088 (VCV001186088.17), dbSNP rs1344615174, ClinGen allele CA393362761.